The following is an entry in ClinVar:

NM_024334.3(TMEM43):c.703G>A (p.Glu235Lys)

Gene: TMEM43 (transmembrane protein 43; plus strand). Cytogenetic location: 3p25.1.
Variant type: single nucleotide variant.
Coding change: c.703G>A on transcript NM_024334.3 (MANE Select); coding-DNA position 703, G replaced by A.
Protein change: p.Glu235Lys; replaces glutamic acid 235 with lysine.
Molecular consequence: missense variant.
Genome position (GRCh38, 1-based): chr3:14,134,889, G>A. VCF-style: chr3-14134889-G-A. GRCh37 (hg19) VCF-style: chr3-14176389-G-A.
Other names: short protein forms E235K.
Identifiers: ClinVar variation 662574 (VCV000662574.8), dbSNP rs1574939228, ClinGen allele CA351535679.

ClinVar aggregate classification (germline): Uncertain significance (1 of 4 stars; one submission).

Conditions:
Arrhythmogenic right ventricular dysplasia 5. Also called: Arrhythmogenic Right Ventricular Dysplasia/Cardiomyopathy 5; ARRHYTHMOGENIC RIGHT VENTRICULAR DYSPLASIA, FAMILIAL, 5. Identifiers: MedGen C1858379, MONDO:0011459, OMIM 604400.

Allele frequency attached by ClinVar (database versions not stated): gnomAD exomes below 0.00001.
gnomAD v4.1: 2 of 1,614,178 alleles (0.00012%); highest among the groups gnomAD compares: Non-Finnish European, 0.00017%; no homozygotes.

Submission:

Labcorp Genetics (formerly Invitae), Labcorp
Classification: Uncertain significance for Arrhythmogenic right ventricular dysplasia 5. Last evaluated: 2018-08-26. Review status: criteria provided, single submitter. Criteria: Invitae Variant Classification Sherloc (09022015). Collection method: clinical testing. Allele origin: germline.
Comment: In summary, the available evidence is currently insufficient to determine the role of this variant in disease. Therefore, it has been classified as a Variant of Uncertain Significance. Algorithms developed to predict the effect of missense changes on protein structure and function are either unavailable or do not agree on the potential impact of this missense change (SIFT: "Deleterious"; PolyPhen-2: "Possibly Damaging"; Align-GVGD: "Class C0"). This variant has not been reported in the literature in individuals with TMEM43-related disease. This variant is not present in population databases (ExAC no frequency). This sequence change replaces glutamic acid with lysine at codon 235 of the TMEM43 protein (p.Glu235Lys). The glutamic acid residue is highly conserved and there is a small physicochemical difference between glutamic acid and lysine.